The following is an entry in ClinVar:

ClinVar aggregate classification (germline): Uncertain significance. Review status: criteria provided, multiple submitters, no conflicts (2 of 4 stars). 3 submissions from 3 submitters: Uncertain significance (3). Last evaluated 2023-07-10.

Conditions:
Multiple endocrine neoplasia, type 1 (MEN1). Also called: MEN I; WERMER SYNDROME; Endocrine adenomatosis multiple; MEN 1; MEA I. Identifiers: Orphanet 652, MedGen C0025267, MeSH D018761, MONDO:0007540, OMIM 131100.

Allele frequency attached by ClinVar (database versions not stated): gnomAD exomes below 0.00001.
gnomAD v4.1: 1 of 1,601,820 alleles (0.000062%); highest among the groups gnomAD compares: Non-Finnish European, 0.000085%; no homozygotes.

Submissions (3):

All of Us Research Program, National Institutes of Health
Classification: Uncertain significance for Multiple endocrine neoplasia, type 1. Last evaluated: 2023-07-10. Review status: criteria provided, single submitter. Criteria: ACMG Guidelines, 2015. Collection method: clinical testing. Allele origin: germline. Inheritance: Autosomal dominant inheritance. Observed: 1 variant allele, 1 heterozygote.
Comment: This missense variant replaces threonine with isoleucine at codon 76 of the MEN1 protein. Computational prediction is inconclusive regarding the impact of this variant on protein structure and function (internally defined REVEL score threshold 0.5 < inconclusive < 0.7, PMID: 27666373). To our knowledge, functional studies have not been reported for this variant. This variant has not been reported in individuals affected with MEN1-related disorders in the literature. This variant has not been identified in the general population by the Genome Aggregation Database (gnomAD). The available evidence is insufficient to determine the role of this variant in disease conclusively. Therefore, this variant is classified as a Variant of Uncertain Significance.

This study involves interpretation of variants in research participants for the purpose of population health screening. Participant phenotype was not available at the time of variant classification. Additional details can be found in publication PMID: 35346344, PMCID: PMC8962531

Women's Health and Genetics/Laboratory Corporation of America, LabCorp
Classification: Uncertain significance. Last evaluated: 2022-12-26. Review status: criteria provided, single submitter. Criteria: LabCorp Variant Classification Summary - May 2015. Collection method: clinical testing. Allele origin: germline.
Comment: Variant summary: MEN1 c.227C>T (p.Thr76Ile) results in a non-conservative amino acid change in the encoded protein sequence. Three of five in-silico tools predict a damaging effect of the variant on protein function. The variant was absent in 223538 control chromosomes. The available data on variant occurrences in the general population are insufficient to allow any conclusion about variant significance. To our knowledge, no occurrence of c.227C>T in individuals affected with Multiple Endocrine Neoplasia Type 1 and no experimental evidence demonstrating its impact on protein function have been reported. No clinical diagnostic laboratories have submitted clinical-significance assessments for this variant to ClinVar after 2014. Based on the evidence outlined above, the variant was classified as uncertain significance.

Labcorp Genetics (formerly Invitae), Labcorp
Classification: Uncertain significance for Multiple endocrine neoplasia, type 1. Last evaluated: 2022-02-02. Review status: criteria provided, single submitter. Criteria: Invitae Variant Classification Sherloc (09022015). Collection method: clinical testing. Allele origin: germline.
Comment: This sequence change replaces threonine, which is neutral and polar, with isoleucine, which is neutral and non-polar, at codon 76 of the MEN1 protein (p.Thr76Ile). This variant is not present in population databases (gnomAD no frequency). This variant has not been reported in the literature in individuals affected with MEN1-related conditions. Advanced modeling of protein sequence and biophysical properties (such as structural, functional, and spatial information, amino acid conservation, physicochemical variation, residue mobility, and thermodynamic stability) performed at Invitae indicates that this missense variant is not expected to disrupt MEN1 protein function. In summary, the available evidence is currently insufficient to determine the role of this variant in disease. Therefore, it has been classified as a Variant of Uncertain Significance.

NM_001370259.2(MEN1):c.227C>T (p.Thr76Ile)

Gene: MEN1 (menin 1; minus strand). Cytogenetic location: 11q13.1.
Variant type: single nucleotide variant.
Coding change: c.227C>T on transcript NM_001370259.2 (MANE Select); coding-DNA position 227, C replaced by T.
Protein change: p.Thr76Ile; replaces threonine 76 with isoleucine.
Molecular consequence: missense variant.
Genome position (GRCh38, 1-based): chr11:64,809,883, G>A on the plus strand (C>T on the coding strand, the complement: MEN1 is on the minus strand). VCF-style: chr11-64809883-G-A. GRCh37 (hg19) VCF-style: chr11-64577355-G-A.
Other names: c.227C>T, p.Thr76Ile (NM_000244.4, NM_001370251.2, NM_001370260.2 and 20 more transcripts); short protein forms T76I.
Identifiers: ClinVar variation 1878386 (VCV001878386.4), dbSNP rs886039752, ClinGen allele CA381187606.
Genomic context (GRCh38, chr11:64,809,883, plus strand): 5'-TGGGCGGTGAAGCGGGCATAGAGGGCGGCGATGATAGACAGGTCGGCCACGGGAAAGTAG[G>A]TGAGGCCGCCAGGCGGGTCGGGGGCGGGGCTGGGCTGGAAGGTGAGCTCGGGAACGTTGG-3'
Protein context (NP_001357188.2, residues 66-86): SPAPDPPGGL[Thr76Ile]YFPVADLSII